The following is an entry in ClinVar:

ClinVar aggregate classification (germline): Pathogenic/Likely pathogenic. Review status: criteria provided, multiple submitters, no conflicts (2 of 4 stars). 3 submissions from 3 submitters: Pathogenic (2); Likely pathogenic (1). Last evaluated 2026-06-01.

Conditions:
Mucopolysaccharidosis, MPS-II (MPS2). Also called: Attenuated MPS (subtype; formerly known as mild MPS II); Severe MPS II; I2S deficiency; MPS 2; Hunter Syndrome; IDURONATE 2-SULFATASE DEFICIENCY. Identifiers: Orphanet 580, Orphanet 79388, MedGen C0026705, MONDO:0010674, OMIM 309900.

Submissions (3):

CeGaT Center for Human Genetics Tuebingen
Classification: Pathogenic. Last evaluated: 2026-06-01. Review status: criteria provided, single submitter. Criteria: CeGaT Center For Human Genetics Tuebingen Variant Classification Criteria Version 2. Collection method: clinical testing. Allele origin: germline. Affected: yes. Observed: 2 variant alleles.
Comment: IDS: PS4, PM2, PM5, PP3, PP4

Women's Health and Genetics/Laboratory Corporation of America, LabCorp
Classification: Likely pathogenic for Mucopolysaccharidosis, MPS-II. Last evaluated: 2025-03-28. Review status: criteria provided, single submitter. Criteria: LabCorp Variant Classification Summary - May 2015. Collection method: clinical testing. Allele origin: germline.
Comment: Variant summary: IDS c.1294T>C (p.Cys432Arg) results in a non-conservative amino acid change in the encoded protein sequence. Five of five in-silico tools predict a damaging effect of the variant on protein function. The variant was absent in 181921 control chromosomes. c.1294T>C has been reported in the literature in mutliple individuals affected with Mucopolysaccharidosis Type II (Hunter Syndrome) (e.g., Lualdi_2006, Alkhzouz_2016, Muenzer_2024). These data indicate that the variant may be associated with disease. Additionally, other variants at the Cys432 residue have been reported as associated with disease (p.Cys432Tyr), suggesting that this codon is functionally important. To our knowledge, no experimental evidence demonstrating an impact on protein function has been reported. The following publications have been ascertained in the context of this evaluation (PMID: 27351199, 16495038, 39303318). ClinVar contains an entry for this variant (Variation ID: 3256019). Based on the evidence outlined above, the variant was classified as likely pathogenic.

Laboratory of Diagnosis and Therapy of Lysosomal Disorders, University of Padova
Classification: Pathogenic for Mucopolysaccharidosis, MPS-II. Last evaluated: 2024-06-07. Review status: criteria provided, single submitter. Criteria: ACMG Guidelines, 2015. Collection method: literature only. Allele origin: germline. Affected: yes. Observed: 1 variant allele.
Comment: Located in a mutational hot spot and/or critical functional domain (PM1_Moderate), Absent from controls (or at low frequency) in gnomAD database (PM2_Moderate), Missense variant in a gene with a low rate of benign missense variation (PP2_Supporting), Multiple lines of computational evidence support a deleterious effect (PP3_Supporting), Patient’s phenotype or family history highly specific for the disease (PP4_Strong)

Classification method: ACMG Guidelines [PMID:25741868] with modifications

Literature cited by the submitters: PubMed 27351199 (cited by Women's Health and Genetics/Laboratory Corporation of America, LabCorp and Laboratory of Diagnosis and Therapy of Lysosomal Disorders, University of Padova); PubMed 39303318 (cited by Women's Health and Genetics/Laboratory Corporation of America, LabCorp); PubMed 16495038 (cited by Women's Health and Genetics/Laboratory Corporation of America, LabCorp).

NM_000202.8(IDS):c.1294T>C (p.Cys432Arg)

Gene: IDS (iduronate 2-sulfatase; minus strand). Cytogenetic location: Xq28.
Variant type: single nucleotide variant.
Coding change: c.1294T>C on transcript NM_000202.8 (MANE Select); coding-DNA position 1294, T replaced by C.
Protein change: p.Cys432Arg; replaces cysteine 432 with arginine.
Molecular consequence: missense variant.
Genome position (GRCh38, 1-based): chrX:149,483,105, A>G on the plus strand (T>C on the coding strand, the complement: IDS is on the minus strand). VCF-style: chrX-149483105-A-G. GRCh37 (hg19) VCF-style: chrX-148564636-A-G.
Other names: c.1024T>C, p.Cys342Arg (NM_001166550.4); short protein forms C342R, C432R.
Identifiers: ClinVar variation 3256019 (VCV003256019.5).